The following is an entry in ClinVar:

NM_000321.3(RB1):c.1960+2T>A

Gene: RB1 (RB transcriptional corepressor 1; plus strand). Cytogenetic location: 13q14.2.
Variant type: single nucleotide variant.
Coding change: c.1960+2T>A on transcript NM_000321.3 (MANE Select); the canonical splice donor site of the intron after coding-DNA position 1960, T replaced by A.
Molecular consequence: splice donor variant.
Genome position (GRCh38, 1-based): chr13:48,456,351, T>A. VCF-style: chr13-48456351-T-A. GRCh37 (hg19) VCF-style: chr13-49030487-T-A.
Other names: c.1960+2T>A (NM_001407165.1).
Identifiers: ClinVar variation 2766821 (VCV002766821.3), dbSNP rs587776780, ClinGen allele CA388166322.
Genomic context (GRCh38, chr13:48,456,351, plus strand): 5'-AGCCTTCCAGACCCAGAAGCCATTGAAATCTACCTCTCTTTCACTGTTTTATAAAAAAGG[T>A]TAGTAGATGATTATTTTCAAGAGCATGGACTCTGAAACTAGGCTGACTGGGTTCAAATCA-3'

ClinVar aggregate classification (germline): Pathogenic (1 of 4 stars; one submission).

Conditions:
Retinoblastoma (RB1). Also called: RETINOBLASTOMA, SOMATIC. Identifiers: Orphanet 790, MedGen C0035335, MeSH D012175, MONDO:0008380, OMIM 180200, HP:0009919. Disease mechanism: loss of function. Inheritance: Both sporadic and heritable forms are tested..

Submission:

Labcorp Genetics (formerly Invitae), Labcorp
Classification: Pathogenic for Retinoblastoma. Last evaluated: 2023-10-08. Review status: criteria provided, single submitter. Criteria: Invitae Variant Classification Sherloc (09022015). Collection method: clinical testing. Allele origin: germline.
Comment: This sequence change affects a donor splice site in intron 19 of the RB1 gene. It is expected to disrupt RNA splicing. Variants that disrupt the donor or acceptor splice site typically lead to a loss of protein function (PMID: 16199547), and loss-of-function variants in RB1 are known to be pathogenic (PMID: 17096365). This variant is not present in population databases (gnomAD no frequency). Disruption of this splice site has been observed in individuals with retinoblastoma (PMID: 7881418, 17096365, 24225018, 24688104; Invitae). Algorithms developed to predict the effect of sequence changes on RNA splicing suggest that this variant may disrupt the consensus splice site. For these reasons, this variant has been classified as Pathogenic.

Literature cited by the submitters: PubMed 16199547; PubMed 17096365; PubMed 7881418; PubMed 24225018; PubMed 24688104.